The following is an entry in ClinVar:

NM_001042750.2(STAG2):c.3734C>T (p.Thr1245Ile)

Gene: STAG2 (STAG2 cohesin complex component; plus strand). Cytogenetic location: Xq25.
Variant type: single nucleotide variant.
Coding change: c.3734C>T on transcript NM_001042750.2 (MANE Select); coding-DNA position 3734, C replaced by T.
Protein change: p.Thr1245Ile; replaces threonine 1245 with isoleucine.
Molecular consequence: missense variant.
Genome position (GRCh38, 1-based): chrX:124,095,400, C>T. VCF-style: chrX-124095400-C-T. GRCh37 (hg19) VCF-style: chrX-123229250-C-T.
Other names: c.3734C>T, p.Thr1245Ile (NM_001042749.2, NM_001375366.1, NM_001375367.1 and 5 more transcripts); c.3623C>T, p.Thr1208Ile (NM_001042751.2, NM_001282418.2, NM_001375373.1 and 5 more transcripts); short protein forms T1208I, T1245I.
Identifiers: ClinVar variation 2762691 (VCV002762691.3), dbSNP rs1317142770, ClinGen allele CA414282502.

ClinVar aggregate classification (germline): Uncertain significance (1 of 4 stars; one submission).

Allele frequency attached by ClinVar (database versions not stated): gnomAD exomes below 0.00001.
gnomAD v4.1: 2 of 1,210,179 alleles (0.00017%); highest among the groups gnomAD compares: East Asian, 0.003%; no homozygotes.

Submission:

Labcorp Genetics (formerly Invitae), Labcorp
Classification: Uncertain significance. Last evaluated: 2023-09-22. Review status: criteria provided, single submitter. Criteria: Invitae Variant Classification Sherloc (09022015). Collection method: clinical testing. Allele origin: germline.
Comment: This sequence change replaces threonine, which is neutral and polar, with isoleucine, which is neutral and non-polar, at codon 1245 of the STAG2 protein (p.Thr1245Ile). This variant is present in population databases (no rsID available, gnomAD 0.008%), including at least one homozygous and/or hemizygous individual. In summary, the available evidence is currently insufficient to determine the role of this variant in disease. Therefore, it has been classified as a Variant of Uncertain Significance. An algorithm developed to predict the effect of missense changes on protein structure and function (PolyPhen-2) suggests that this variant is likely to be tolerated. This variant has not been reported in the literature in individuals affected with STAG2-related conditions.